The following is an entry in ClinVar:

NM_000548.5(TSC2):c.4794C>G (p.Asp1598Glu)

Gene: TSC2 (TSC complex subunit 2; plus strand). Cytogenetic location: 16p13.3.
Variant type: single nucleotide variant.
Coding change: c.4794C>G on transcript NM_000548.5 (MANE Select); coding-DNA position 4794, C replaced by G.
Protein change: p.Asp1598Glu; replaces aspartic acid 1598 with glutamic acid.
Molecular consequence: missense variant.
Genome position (GRCh38, 1-based): chr16:2,086,324, C>G. VCF-style: chr16-2086324-C-G. GRCh37 (hg19) VCF-style: chr16-2136325-C-G.
Other names: c.4593C>G, p.Asp1531Glu (NM_001077183.3); c.4725C>G, p.Asp1575Glu (NM_001114382.3); c.4449C>G, p.Asp1483Glu (NM_001318829.2); c.4062C>G, p.Asp1354Glu (NM_001318831.2); c.4626C>G, p.Asp1542Glu (NM_001318832.2); c.4485C>G, p.Asp1495Glu (NM_001318827.2); c.4665C>G, p.Asp1555Glu (NM_001370405.1, NM_021055.3); c.4596C>G, p.Asp1532Glu (NM_001363528.2); and 1 more; short protein forms D1531E, D1542E, D1354E, D1554E, D1575E, D1483E, D1495E, D1555E.
Identifiers: ClinVar variation 825176 (VCV000825176.14), dbSNP rs548102930, ClinGen allele CA394308008.

ClinVar aggregate classification (germline): Uncertain significance. Review status: criteria provided, multiple submitters, no conflicts (2 of 4 stars). 4 submissions from 4 submitters: Uncertain significance (4). Last evaluated 2024-05-06.

Conditions:
Isolated focal cortical dysplasia type II (FCORD2). Also called: CORTICAL DYSPLASIA OF TAYLOR; Focal cortical dysplasia type II. Identifiers: Orphanet 268994, MedGen C1846385, MONDO:0011818, OMIM 607341, HP:0032051.
Lymphangiomyomatosis (LAM). Also called: Lymphangioleiomyomatosis, somatic; Lymphangioleiomyomatosis. Identifiers: Orphanet 538, MedGen C0751674, MONDO:0011705, OMIM 606690.
Tuberous sclerosis 2 (TSC2). Identifiers: Orphanet 805, MedGen C1860707, MONDO:0013199, OMIM 613254.
Hereditary cancer-predisposing syndrome. Also called: Neoplastic Syndromes, Hereditary; Hereditary Cancer Syndrome; Hereditary neoplastic syndrome; Tumor predisposition. Identifiers: Orphanet 140162, MedGen C0027672, MeSH D009386, MONDO:0015356.
Tuberous sclerosis syndrome (TSC). Also called: Tuberous Sclerosis Complex; Tuberous sclerosis. Identifiers: Orphanet 805, MedGen C0041341, MONDO:0001734.

Submissions (4):

Fulgent Genetics
Classification: Uncertain significance for Lymphangiomyomatosis; Isolated focal cortical dysplasia type II; Tuberous sclerosis 2. Last evaluated: 2024-05-06. Review status: criteria provided, single submitter. Criteria: ACMG Guidelines, 2015. Collection method: clinical testing. Allele origin: germline.

All of Us Research Program, National Institutes of Health
Classification: Uncertain significance for Tuberous sclerosis syndrome. Last evaluated: 2024-03-24. Review status: criteria provided, single submitter. Criteria: ACMG Guidelines, 2015. Collection method: clinical testing. Allele origin: germline. Inheritance: Autosomal dominant inheritance. Observed: 1 variant allele, 1 heterozygote.
Comment: This missense variant replaces aspartic acid with glutamic acid at codon 1598 of the TSC2 protein. Computational prediction is inconclusive regarding the impact of this variant on protein structure and function (internally defined REVEL score threshold 0.5 < inconclusive < 0.7, PMID: 27666373). To our knowledge, functional studies have not been reported for this variant. This variant has not been reported in individuals affected with TSC2-related disorders in the literature. This variant has not been identified in the general population by the Genome Aggregation Database (gnomAD). The available evidence is insufficient to determine the role of this variant in disease conclusively. Therefore, this variant is classified as a Variant of Uncertain Significance.

This study involves interpretation of variants in research participants for the purpose of population health screening. Participant phenotype was not available at the time of variant classification. Additional details can be found in publication PMID: 35346344, PMCID: PMC8962531

Labcorp Genetics (formerly Invitae), Labcorp
Classification: Uncertain significance for Tuberous sclerosis 2. Last evaluated: 2022-06-15. Review status: criteria provided, single submitter. Criteria: Invitae Variant Classification Sherloc (09022015). Collection method: clinical testing. Allele origin: germline.
Comment: Advanced modeling of protein sequence and biophysical properties (such as structural, functional, and spatial information, amino acid conservation, physicochemical variation, residue mobility, and thermodynamic stability) performed at Invitae indicates that this missense variant is not expected to disrupt TSC2 protein function. This sequence change replaces aspartic acid, which is acidic and polar, with glutamic acid, which is acidic and polar, at codon 1598 of the TSC2 protein (p.Asp1598Glu). This variant is not present in population databases (gnomAD no frequency). This variant has not been reported in the literature in individuals affected with TSC2-related conditions. ClinVar contains an entry for this variant (Variation ID: 825176). Algorithms developed to predict the effect of sequence changes on RNA splicing suggest that this variant may create or strengthen a splice site. In summary, the available evidence is currently insufficient to determine the role of this variant in disease. Therefore, it has been classified as a Variant of Uncertain Significance.

Ambry Genetics
Classification: Uncertain significance for Hereditary cancer-predisposing syndrome. Last evaluated: 2018-08-16. Review status: criteria provided, single submitter. Criteria: Ambry Variant Classification Scheme 2023. Collection method: clinical testing. Allele origin: germline.
Comment: The p.D1598E variant (also known as c.4794C>G), located in coding exon 36 of the TSC2 gene, results from a C to G substitution at nucleotide position 4794. The aspartic acid at codon 1598 is replaced by glutamic acid, an amino acid with highly similar properties. This amino acid position is highly conserved in available vertebrate species. In addition, this alteration is predicted to be deleterious by in silico analysis. Since supporting evidence is limited at this time, the clinical significance of this alteration remains unclear.